The following is an entry in ClinVar:

NM_176787.5(PIGN):c.522G>A (p.Leu174=)

Gene: PIGN (phosphatidylinositol glycan anchor biosynthesis class N; minus strand). Cytogenetic location: 18q21.33.
Variant type: single nucleotide variant.
Coding change: c.522G>A on transcript NM_176787.5 (MANE Select); coding-DNA position 522, G replaced by A.
Protein change: p.Leu174=; no amino-acid change (leucine 174 retained).
Molecular consequence: synonymous variant.
Genome position (GRCh38, 1-based): chr18:62,154,572, C>T on the plus strand (G>A on the coding strand, the complement: PIGN is on the minus strand). VCF-style: chr18-62154572-C-T. GRCh37 (hg19) VCF-style: chr18-59821805-C-T.
Other names: c.522G>A, p.Leu174= (NM_012327.6).
Identifiers: ClinVar variation 3764252 (VCV003764252.1).

ClinVar aggregate classification (germline): Uncertain significance (1 of 4 stars; one submission).

Submission:

GeneDx
Classification: Uncertain significance. Last evaluated: 2024-08-19. Review status: criteria provided, single submitter. Criteria: GeneDx Variant Classification Process June 2021. Collection method: clinical testing. Allele origin: germline. Affected: yes.
Comment: Not observed at significant frequency in large population cohorts (gnomAD); Has not been previously published as pathogenic or benign to our knowledge; In silico analysis suggests this variant may impact gene splicing. In the absence of RNA/functional studies, the actual effect of this sequence change is unknown.